The following is an entry in ClinVar:

ClinVar aggregate classification (germline): Pathogenic/Likely pathogenic. Review status: criteria provided, multiple submitters, no conflicts (2 of 4 stars). 4 submissions from 4 submitters: Pathogenic (3); Likely pathogenic (1). Last evaluated 2026-02-04.

Conditions:
Van der Woude syndrome. Identifiers: Orphanet 888, MedGen C0175697, MONDO:0019508.
Popliteal pterygium syndrome (PPS). Identifiers: Orphanet 294963, MedGen C0265259, MONDO:0017435.
Orofacial cleft 6, susceptibility to (OFC6). Also called: CLEFT LIP WITH OR WITHOUT CLEFT PALATE, NONSYNDROMIC, 6. Identifiers: MedGen C1837213, MONDO:0012141, OMIM 608864.
IRF6-related condition. Also called: IRF6-Related Disorders; IRF6-related disorder. Identifiers: MedGen CN378148, MONDO:1040010.

Allele frequency attached by ClinVar (database versions not stated): TOPMed below 0.00001.

Submissions (4):

Labcorp Genetics (formerly Invitae), Labcorp
Classification: Pathogenic for Orofacial cleft 6, susceptibility to; Van der Woude syndrome; Popliteal pterygium syndrome. Last evaluated: 2026-02-04. Review status: criteria provided, single submitter. Criteria: Invitae Variant Classification Sherloc (09022015). Collection method: clinical testing. Allele origin: germline.
Comment: This sequence change replaces arginine, which is basic and polar, with glutamine, which is neutral and polar, at codon 250 of the IRF6 protein (p.Arg250Gln). This variant is not present in population databases (gnomAD no frequency). This missense change has been observed in individuals with van der Woude syndrome (PMID: 12219090, 16160700, 21045959). It has also been observed to segregate with disease in related individuals. ClinVar contains an entry for this variant (Variation ID: 458684). Invitae Evidence Modeling of protein sequence and biophysical properties (such as structural, functional, and spatial information, amino acid conservation, physicochemical variation, residue mobility, and thermodynamic stability) indicates that this missense variant is not expected to disrupt IRF6 protein function with a negative predictive value of 80%. Experimental studies have shown that this missense change affects IRF6 function (PMID: 19036739). For these reasons, this variant has been classified as Pathogenic.

Genetics Laboratory, Great Ormond Street Hospital NHS Foundation Trust, North Thames Genomic Laboratory Hub
Classification: Likely pathogenic for Van der Woude syndrome. Last evaluated: 2025-09-10. Review status: criteria provided, single submitter. Criteria: ACGS Best Practice Guidelines for Variant Classification in Rare Disease 2024 v1.2. Collection method: clinical testing. Allele origin: germline. Affected: yes.
Comment: PS4_moderate, PM2_moderate, PP3_supporting, PS3_moderate, PM1_moderate

Greenwood Genetic Center Diagnostic Laboratories, Greenwood Genetic Center
Classification: Pathogenic for IRF6-related disorder. Last evaluated: 2024-01-25. Review status: criteria provided, single submitter. Criteria: ACMG Guidelines, 2015. Collection method: clinical testing. Allele origin: germline. Affected: yes.
Comment: PS3, PS4, PM1, PM2, PM5, PP1, PP2, PP3

Blueprint Genetics
Classification: Pathogenic for IRF6-related disorders. Last evaluated: 2023-12-14. Review status: criteria provided, single submitter. Criteria: ACMG Guidelines, 2015. Collection method: clinical testing. Allele origin: germline. Affected: yes. Observed: 1 variant allele.

Literature cited by the submitters: PubMed 12219090 (cited by Labcorp Genetics (formerly Invitae), Labcorp); PubMed 16160700 (cited by Labcorp Genetics (formerly Invitae), Labcorp); PubMed 21045959 (cited by Labcorp Genetics (formerly Invitae), Labcorp); PubMed 19036739 (cited by Labcorp Genetics (formerly Invitae), Labcorp).

NM_006147.4(IRF6):c.749G>A (p.Arg250Gln)

Gene: IRF6 (interferon regulatory factor 6; minus strand). Cytogenetic location: 1q32.2.
Variant type: single nucleotide variant.
Coding change: c.749G>A on transcript NM_006147.4 (MANE Select); coding-DNA position 749, G replaced by A.
Protein change: p.Arg250Gln; replaces arginine 250 with glutamine.
Molecular consequence: missense variant.
Genome position (GRCh38, 1-based): chr1:209,790,806, C>T on the plus strand (G>A on the coding strand, the complement: IRF6 is on the minus strand). VCF-style: chr1-209790806-C-T. GRCh37 (hg19) VCF-style: chr1-209964151-C-T.
Other names: c.464G>A, p.Arg155Gln (NM_001206696.2); short protein forms R250Q, R155Q.
Identifiers: ClinVar variation 458684 (VCV000458684.12), dbSNP rs1553247774, ClinGen allele CA344577550.
Genomic context (GRCh38, chr1:209,790,806, plus strand): 5'-CTGACGGGACCAAAGAGCTCCTCCTGGTCAGGCATGGGACCCAGGTCCCCATAGAAGAGT[C>T]GGCAGCCCTGAGGGTTGCTCACGGTCATGGTCTGCCCGTACTCCTTCCCACGGTACTGAA-3'
Protein context (NP_006138.1, residues 240-260): TMTVSNPQGC[Arg250Gln]LFYGDLGPMP